The following is an entry in ClinVar:

ClinVar aggregate classification (germline): Uncertain significance (1 of 4 stars; one submission).

Submission:

Labcorp Genetics (formerly Invitae), Labcorp
Classification: Uncertain significance. Last evaluated: 2024-03-31. Review status: criteria provided, single submitter. Criteria: Invitae Variant Classification Sherloc (09022015). Collection method: clinical testing. Allele origin: germline.
Comment: This sequence change replaces serine, which is neutral and polar, with cysteine, which is neutral and slightly polar, at codon 551 of the WFS1 protein (p.Ser551Cys). This variant is not present in population databases (gnomAD no frequency). This variant has not been reported in the literature in individuals affected with WFS1-related conditions. Advanced modeling of protein sequence and biophysical properties (such as structural, functional, and spatial information, amino acid conservation, physicochemical variation, residue mobility, and thermodynamic stability) performed at Invitae indicates that this missense variant is not expected to disrupt WFS1 protein function with a negative predictive value of 95%. In summary, the available evidence is currently insufficient to determine the role of this variant in disease. Therefore, it has been classified as a Variant of Uncertain Significance.

NM_006005.3(WFS1):c.1652C>G (p.Ser551Cys)

Gene: WFS1 (wolframin ER transmembrane glycoprotein; plus strand). Cytogenetic location: 4p16.1.
Variant type: single nucleotide variant.
Coding change: c.1652C>G on transcript NM_006005.3 (MANE Select); coding-DNA position 1652, C replaced by G.
Protein change: p.Ser551Cys; replaces serine 551 with cysteine.
Molecular consequence: missense variant.
Genome position (GRCh38, 1-based): chr4:6,301,447, C>G. VCF-style: chr4-6301447-C-G. GRCh37 (hg19) VCF-style: chr4-6303174-C-G.
Other names: c.1652C>G, p.Ser551Cys (NM_001145853.1); short protein forms S551C.
Identifiers: ClinVar variation 3637008 (VCV003637008.2).